The following is an entry in ClinVar:

ClinVar aggregate classification (germline): Uncertain significance. Review status: criteria provided, multiple submitters, no conflicts (2 of 4 stars). 2 submissions from 2 submitters: Uncertain significance (2). Last evaluated 2024-02-19.

Conditions:
Complement component 3 deficiency. Identifiers: Orphanet 280133, MedGen C3151071, MONDO:0013417, OMIM 613779.
Age related macular degeneration 9. Identifiers: MedGen C1969651, MONDO:0012659, OMIM 611378.
Atypical hemolytic-uremic syndrome with C3 anomaly. Also called: AHUS, SUSCEPTIBILITY TO, 5. Identifiers: Orphanet 2134, MedGen C2752037, MONDO:0013043, OMIM 612925.

Allele frequency attached by ClinVar (database versions not stated): gnomAD exomes below 0.00001; TOPMed below 0.00001; ExAC 0.00001.
gnomAD v4.1: 7 of 1,614,000 alleles (0.00043%); highest among the groups gnomAD compares: African/African-American, 0.0067%; no homozygotes.

Submissions (2):

Fulgent Genetics
Classification: Uncertain significance for Age related macular degeneration 9; Atypical hemolytic-uremic syndrome with C3 anomaly; Complement component 3 deficiency. Last evaluated: 2024-02-19. Review status: criteria provided, single submitter. Criteria: ACMG Guidelines, 2015. Collection method: clinical testing. Allele origin: germline.

Labcorp Genetics (formerly Invitae), Labcorp
Classification: Uncertain significance. Last evaluated: 2022-12-07. Review status: criteria provided, single submitter. Criteria: Invitae Variant Classification Sherloc (09022015). Collection method: clinical testing. Allele origin: germline.
Comment: In summary, the available evidence is currently insufficient to determine the role of this variant in disease. Therefore, it has been classified as a Variant of Uncertain Significance. Advanced modeling of protein sequence and biophysical properties (such as structural, functional, and spatial information, amino acid conservation, physicochemical variation, residue mobility, and thermodynamic stability) performed at Invitae indicates that this missense variant is expected to disrupt C3 protein function. This variant has not been reported in the literature in individuals affected with C3-related conditions. This variant is present in population databases (rs765580707, gnomAD 0.01%). This sequence change replaces leucine, which is neutral and non-polar, with phenylalanine, which is neutral and non-polar, at codon 1294 of the C3 protein (p.Leu1294Phe).

NM_000064.4(C3):c.3880C>T (p.Leu1294Phe)

Gene: C3 (complement C3; minus strand). Cytogenetic location: 19p13.3.
Variant type: single nucleotide variant.
Coding change: c.3880C>T on transcript NM_000064.4 (MANE Select); coding-DNA position 3880, C replaced by T.
Protein change: p.Leu1294Phe; replaces leucine 1294 with phenylalanine.
Molecular consequence: missense variant.
Genome position (GRCh38, 1-based): chr19:6,685,077, G>A on the plus strand (C>T on the coding strand, the complement: C3 is on the minus strand). VCF-style: chr19-6685077-G-A. GRCh37 (hg19) VCF-style: chr19-6685088-G-A.
Other names: short protein forms L1294F.
Identifiers: ClinVar variation 2993211 (VCV002993211.4), dbSNP rs765580707, ClinGen allele CA9128604.